The following is an entry in ClinVar:

ClinVar aggregate classification (germline): Conflicting classifications of pathogenicity. Review status: criteria provided, conflicting classifications (1 of 4 stars). 6 submissions from 6 submitters: Likely pathogenic (3); Uncertain significance (2). 1 of the submissions does not count toward it. Last evaluated 2025-05-16.

Conditions:
Cystic fibrosis (CF). Also called: MUCOVISCIDOSIS. Identifiers: Orphanet 586, MedGen C0010674, MONDO:0009061, OMIM 219700. Disease mechanism: loss of function.

gnomAD v4.1: 6 of 1,611,776 alleles (0.00037%); highest among the groups gnomAD compares: South Asian, 0.0055%; no homozygotes.

Submissions (6):

GeneDx
Classification: Likely pathogenic. Last evaluated: 2025-05-16. Review status: criteria provided, single submitter. Criteria: GeneDx Variant Classification Process June 2021. Collection method: clinical testing. Allele origin: germline. Affected: yes.
Comment: Not observed at significant frequency in large population cohorts (gnomAD); In silico analysis supports that this missense variant has a deleterious effect on protein structure/function; This variant is associated with the following publications: (PMID: 35857025, 28603918, 7525963, 30548586, 38388235, 16436643)

Johns Hopkins Genomics, Johns Hopkins University
Classification: Likely pathogenic for Cystic fibrosis. Last evaluated: 2023-07-07. Review status: criteria provided, single submitter. Criteria: ACMG Guidelines, 2015. Collection method: clinical testing. Allele origin: germline.
Comment: This CFTR missense variant has been identified in multiple individuals with features of cystic fibrosis. This variant (rs1800092) is rare (<0.1%) in a large population dataset (gnomADv3.1.2: 1/152016 total alleles; 0.0007%; no homozygotes) and has been reported in ClinVar (Variation ID: 53278). Two bioinformatic tools queried predict that this substitution would be damaging and the isoleucine residue at this position is evolutionarily conserved across all species assessed. We consider CFTR c.1518C>G to be likely pathogenic.

Institute of Human Genetics, University of Leipzig Medical Center
Classification: Likely pathogenic for Cystic fibrosis. Last evaluated: 2022-09-05. Review status: criteria provided, single submitter. Criteria: ACMG Guidelines, 2015. Collection method: curation. Allele origin: unknown. Affected: yes. Observed: 1 variant allele.
Comment: The variant was classified in the context of a project re-classifying variants in the German Cystic Fibrosis Registry (Muko.e.V.). Criteria applied: PM2_SUP, PM3, PM5_STR, PP3, PP4

Women's Health and Genetics/Laboratory Corporation of America, LabCorp
Classification: Uncertain significance. Last evaluated: 2022-02-08. Review status: criteria provided, single submitter. Criteria: LabCorp Variant Classification Summary - May 2015. Collection method: clinical testing. Allele origin: germline.
Comment: Variant summary: CFTR c.1518C>G (p.Ile506Met) results in a conservative amino acid change located in the ABC transporter-like, ATP-binding domain (IPR003439) of the encoded protein sequence. Four of five in-silico tools predict a damaging effect of the variant on protein function. The variant was absent in 251284 control chromosomes. The available data on variant occurrences in the general population are insufficient to allow any conclusion about variant significance. c.1518C>G has been reported in the literature with p.F508del in an individual reportedly affected with Cystic Fibrosis (example, Chevalier-Porst_1994). However, the sick kids database states that a diagnosis of CF was not confirmed in this individual based on personal correspondence with one of the authors of this study. Therefore, this report does not provide unequivocal conclusions about association of the variant with Cystic Fibrosis. To our knowledge, no experimental evidence demonstrating an impact on protein function has been reported. Two clinical diagnostic laboratories have submitted clinical-significance assessments for this variant to ClinVar after 2014 without evidence for independent evaluation. One laboratory classified the variant as pathogenic and one laboratory classified the variant as uncertain significance. Based on the evidence outlined above, the variant was classified as uncertain significance.

Labcorp Genetics (formerly Invitae), Labcorp
Classification: Uncertain significance for Cystic fibrosis. Last evaluated: 2021-08-27. Review status: criteria provided, single submitter. Criteria: Invitae Variant Classification Sherloc (09022015). Collection method: clinical testing. Allele origin: germline.
Comment: This sequence change replaces isoleucine with methionine at codon 506 of the CFTR protein (p.Ile506Met). The isoleucine residue is highly conserved and there is a small physicochemical difference between isoleucine and methionine. This variant is not present in population databases (ExAC no frequency). This missense change has been observed in individuals with cystic fibrosis (PMID: 7525963; Invitae). ClinVar contains an entry for this variant (Variation ID: 53278). Algorithms developed to predict the effect of missense changes on protein structure and function are either unavailable or do not agree on the potential impact of this missense change (SIFT: "Deleterious"; PolyPhen-2: "Probably Damaging"; Align-GVGD: "Class C0"). This variant disrupts the p.Ile506 amino acid residue in CFTR. Other variant(s) that disrupt this residue have been observed in individuals with CFTR-related conditions (PMID: 7509683, 16436643), which suggests that this may be a clinically significant amino acid residue. In summary, the available evidence is currently insufficient to determine the role of this variant in disease. Therefore, it has been classified as a Variant of Uncertain Significance.

Foundation for Research in Genetics and Endocrinology, FRIGE's Institute of Human Genetics
Classification: Pathogenic for Cystic fibrosis. Last evaluated: 2015-10-19. Review status: no assertion criteria provided. Collection method: clinical testing. Allele origin: unknown. Inheritance: Autosomal recessive inheritance. Affected: yes. Observed: 1 variant allele, 1 homozygote. Not counted in ClinVar's aggregate classification.

Literature cited by the submitters: PubMed 11504857 (cited by Johns Hopkins Genomics, Johns Hopkins University); PubMed 35857025 (cited by Johns Hopkins Genomics, Johns Hopkins University); PubMed 7525963 (cited by 3 submitters); PubMed 15371908 (cited by Women's Health and Genetics/Laboratory Corporation of America, LabCorp); PubMed 31808782 (cited by Women's Health and Genetics/Laboratory Corporation of America, LabCorp); PubMed 7509683 (cited by Labcorp Genetics (formerly Invitae), Labcorp); PubMed 16436643 (cited by Labcorp Genetics (formerly Invitae), Labcorp).

NM_000492.4(CFTR):c.1518C>G (p.Ile506Met)

Genes: CFTR (CF transmembrane conductance regulator; plus strand), CFTR-AS1 (CFTR antisense RNA 1; minus strand). Cytogenetic location: 7q31.2.
Variant type: single nucleotide variant.
Coding change: c.1518C>G on transcript NM_000492.4 (MANE Select); coding-DNA position 1518, C replaced by G.
Protein change: p.Ile506Met; replaces isoleucine 506 with methionine.
Molecular consequence: missense variant.
Genome position (GRCh38, 1-based): chr7:117,559,589, C>G. VCF-style: chr7-117559589-C-G. GRCh37 (hg19) VCF-style: chr7-117199643-C-G.
Other names: 1650C/G; short protein forms I506M.
Identifiers: ClinVar variation 53278 (VCV000053278.12), dbSNP rs1800092, ClinGen allele CA326525.
Genomic context (GRCh38, chr7:117,559,589, plus strand): 5'-AAGAATTTCATTCTGTTCTCAGTTTTCCTGGATTATGCCTGGCACCATTAAAGAAAATAT[C>G]ATCTTTGGTGTTTCCTATGATGAATATAGATACAGAAGCGTCATCAAAGCATGCCAACTA-3'
Protein context (NP_000483.3, residues 496-516): WIMPGTIKEN[Ile506Met]IFGVSYDEYR